The following is an entry in ClinVar:

ClinVar aggregate classification (germline): Benign/Likely benign. Review status: criteria provided, multiple submitters, no conflicts (2 of 4 stars). 4 submissions from 4 submitters: Benign (2); Likely benign (2). Last evaluated 2026-07-20.

Conditions:
Lynch syndrome 5 (LYNCH5). Also called: Hereditary non-polyposis colorectal cancer, type 5; Colorectal cancer, hereditary nonpolyposis, type 5. Identifiers: Orphanet 144, MedGen C1833477, MONDO:0013710, OMIM 614350. Disease mechanism: loss of function.
Hereditary nonpolyposis colorectal neoplasms. Identifiers: MedGen C0009405, MeSH D003123.
Hereditary cancer-predisposing syndrome. Also called: Neoplastic Syndromes, Hereditary; Hereditary Cancer Syndrome; Tumor predisposition; Hereditary neoplastic syndrome. Identifiers: Orphanet 140162, MedGen C0027672, MeSH D009386, MONDO:0015356.

Allele frequency attached by ClinVar (database versions not stated): gnomAD exomes below 0.00001; ExAC 0.00001; TOPMed 0.00001; gnomAD 0.00001.
gnomAD v4.1: 1 of 1,614,096 alleles (0.000062%); highest among the groups gnomAD compares: African/African-American, 0.0013%; no homozygotes.

Submissions (4):

Ambry Genetics
Classification: Likely benign for Hereditary cancer-predisposing syndrome. Last evaluated: 2026-07-20. Review status: criteria provided, single submitter. Criteria: Ambry Variant Classification Scheme 2023. Collection method: clinical testing. Allele origin: germline.

Labcorp Genetics (formerly Invitae), Labcorp
Classification: Benign for Hereditary nonpolyposis colorectal neoplasms. Last evaluated: 2025-11-27. Review status: criteria provided, single submitter. Criteria: Invitae Variant Classification Sherloc (09022015). Collection method: clinical testing. Allele origin: germline.

Myriad Genetics, Inc.
Classification: Benign for Lynch syndrome 5. Last evaluated: 2024-12-20. Review status: criteria provided, single submitter. Criteria: Myriad Autosomal Dominant, Autosomal Recessive and X-Linked Classification Criteria (2023). Collection method: clinical testing. Allele origin: unknown.
Comment: This variant is considered benign. This variant is a silent/synonymous amino acid change and it is not expected to impact splicing.

GeneDx
Classification: Likely benign. Last evaluated: 2016-04-27. Review status: criteria provided, single submitter. Criteria: GeneDx Variant Classification (06012015). Collection method: clinical testing. Allele origin: germline. Affected: yes.
Comment: This variant is considered likely benign or benign based on one or more of the following criteria: it is a conservative change, it occurs at a poorly conserved position in the protein, it is predicted to be benign by multiple in silico algorithms, and/or has population frequency not consistent with disease.

NM_000179.3(MSH6):c.1005T>C (p.Asn335=)

Gene: MSH6 (mutS homolog 6; plus strand). Cytogenetic location: 2p16.3.
Variant type: single nucleotide variant.
Coding change: c.1005T>C on transcript NM_000179.3 (MANE Select); coding-DNA position 1005, T replaced by C.
Protein change: p.Asn335=; no amino-acid change (asparagine 335 retained).
Molecular consequence: synonymous variant.
Genome position (GRCh38, 1-based): chr2:47,798,988, T>C. VCF-style: chr2-47798988-T-C. GRCh37 (hg19) VCF-style: chr2-48026127-T-C.
Other names: c.615T>C, p.Asn205= (NM_001281492.2); c.99T>C, p.Asn33= (NM_001281493.2, NM_001281494.2).
Identifiers: ClinVar variation 385878 (VCV000385878.6), dbSNP rs767011067, ClinGen allele CA067021.